The following is an entry in ClinVar:

ClinVar aggregate classification (germline): Uncertain significance (1 of 4 stars; one submission).

gnomAD v4.1: 1 of 1,612,988 alleles (0.000062%); highest among the groups gnomAD compares: Non-Finnish European, 0.000085%; no homozygotes.

Submission:

Labcorp Genetics (formerly Invitae), Labcorp
Classification: Uncertain significance. Last evaluated: 2023-08-30. Review status: criteria provided, single submitter. Criteria: Invitae Variant Classification Sherloc (09022015). Collection method: clinical testing. Allele origin: germline.
Comment: This variant has not been reported in the literature in individuals affected with COQ8A-related conditions. This variant is not present in population databases (gnomAD no frequency). This sequence change replaces aspartic acid, which is acidic and polar, with asparagine, which is neutral and polar, at codon 561 of the COQ8A protein (p.Asp561Asn). In summary, the available evidence is currently insufficient to determine the role of this variant in disease. Therefore, it has been classified as a Variant of Uncertain Significance. Advanced modeling of protein sequence and biophysical properties (such as structural, functional, and spatial information, amino acid conservation, physicochemical variation, residue mobility, and thermodynamic stability) has been performed at Invitae for this missense variant, however the output from this modeling did not meet the statistical confidence thresholds required to predict the impact of this variant on COQ8A protein function. ClinVar contains an entry for this variant (Variation ID: 1380326).

NM_020247.5(COQ8A):c.1681G>A (p.Asp561Asn)

Gene: COQ8A (coenzyme Q8A; plus strand). Cytogenetic location: 1q42.13.
Variant type: single nucleotide variant.
Coding change: c.1681G>A on transcript NM_020247.5 (MANE Select); coding-DNA position 1681, G replaced by A.
Protein change: p.Asp561Asn; replaces aspartic acid 561 with asparagine.
Molecular consequence: missense variant.
Genome position (GRCh38, 1-based): chr1:226,986,474, G>A. VCF-style: chr1-226986474-G-A. GRCh37 (hg19) VCF-style: chr1-227174175-G-A.
Other names: short protein forms D561N.
Identifiers: ClinVar variation 1380326 (VCV001380326.6), dbSNP rs2148142552, ClinGen allele CA345056712.